The following is an entry in ClinVar:

ClinVar aggregate classification (germline): Uncertain significance (1 of 4 stars; one submission).

Conditions:
GSN-related disorder. Also called: GSN-related condition.

Submission:

PreventionGenetics, part of Exact Sciences
Classification: Uncertain significance for GSN-related condition. Last evaluated: 2026-09-16. Review status: criteria provided, single submitter. Criteria: ACMG Guidelines, 2015. Collection method: clinical testing. Allele origin: germline.
Comment: The GSN c.65C>G variant is predicted to result in the amino acid substitution p.Pro22Arg. To our knowledge, this variant has not been reported in the literature or in a large population database (gnomAD), indicating this variant is rare. At this time, the clinical significance of this variant is uncertain due to the absence of conclusive functional and genetic evidence.

NM_198252.3(GSN):c.-10+954C>G

Genes: GSN (gelsolin; plus strand), GSN-AS1 (GSN antisense RNA 1; minus strand), LOC126860752 (CDK7 strongly-dependent group 2 enhancer GRCh37_chr9:124043752-124044951; plus strand). Cytogenetic location: 9q33.2.
Variant type: single nucleotide variant.
Coding change: c.-10+954C>G on transcript NM_198252.3 (MANE Select); 954 bases into the intron after 10 bases upstream of the start codon, C replaced by G.
Molecular consequence: intron variant. On other transcripts: missense variant (1), 5 prime UTR variant (5), non-coding transcript variant (1).
Genome position (GRCh38, 1-based): chr9:121,282,516, C>G. VCF-style: chr9-121282516-C-G. GRCh37 (hg19) VCF-style: chr9-124044794-C-G.
Other names: c.65C>G, p.Pro22Arg (NM_001127663.2); c.-36C>G (NM_001353056.2, NM_001353059.2); c.-73C>G (NM_001353068.2, NM_001353073.2); c.-82C>G (NM_001353072.2); c.-10+954C>G (NM_001353054.1, NM_001353053.1, NM_001353060.2 and 2 more transcripts); c.-48+954C>G (NM_001353064.2, NM_001353066.2, NM_001353076.2 and 1 more transcripts); c.-2+954C>G (NM_001353058.2, NM_001353057.2); c.-39+563C>G (NM_001353065.2); and 12 more; short protein forms P22R.
Identifiers: ClinVar variation 4993543 (VCV004993543.1).